The following is an entry in ClinVar:

NM_001379110.1(SLC9A6):c.548C>T (p.Thr183Met)

Gene: SLC9A6 (solute carrier family 9 member A6; plus strand). Cytogenetic location: Xq26.3.
Variant type: single nucleotide variant.
Coding change: c.548C>T on transcript NM_001379110.1 (MANE Select); coding-DNA position 548, C replaced by T.
Protein change: p.Thr183Met; replaces threonine 183 with methionine.
Molecular consequence: missense variant.
Genome position (GRCh38, 1-based): chrX:135,998,879, C>T. VCF-style: chrX-135998879-C-T. GRCh37 (hg19) VCF-style: chrX-135081038-C-T.
Other names: c.704C>T, p.Thr235Met (NM_001042537.2); c.548C>T, p.Thr183Met (NM_001177651.2); c.452C>T, p.Thr151Met (NM_001330652.2); c.608C>T, p.Thr203Met (NM_006359.3); short protein forms T183M, T203M, T235M, T151M.
Identifiers: ClinVar variation 942247 (VCV000942247.20), dbSNP rs782759179, ClinGen allele CA10524698.
Genomic context (GRCh38, chrX:135,998,879, plus strand): 5'-TATTTTTTTCTAAAGTAGGACTGTGTTTATTGAACAGGTCAATAATGTATGGCTGTGTAA[C>T]GCTGATGAAGGTAACGGGACAACTTGCAGGAGATTTTTACTTTACAGATTGCCTACTGTT-3'
Protein context (NP_001366039.1, residues 173-193): VIGSIMYGCV[Thr183Met]LMKVTGQLAG

ClinVar aggregate classification (germline): Conflicting classifications of pathogenicity. Review status: criteria provided, conflicting classifications (1 of 4 stars). 4 submissions from 4 submitters: Uncertain significance (2); Likely benign (1). 1 of the submissions does not count toward it. Last evaluated 2026-02-02.

Conditions:
Inborn genetic diseases. Identifiers: MedGen C0950123, MeSH D030342.
Intellectual disability. Also called: intellectual disabilities; Intellectual developmental disorder; Intellectual functioning disability. Identifiers: MedGen C3714756, MeSH D008607, MONDO:0001071, HP:0001249.
Christianson syndrome (MRXSCH). Also called: INTELLECTUAL DEVELOPMENTAL DISORDER, X-LINKED, SYNDROMIC, CHRISTIANSON TYPE; SLC9A6-Related Syndromic Mental Retardation; X-linked mental retardation, syndromic, Christianson type. Identifiers: Orphanet 85278, MedGen C2678194, MONDO:0010278, OMIM 300243.

Allele frequency attached by ClinVar (database versions not stated): ExAC 0.00001; gnomAD 0.00001 and 0.00002; gnomAD exomes 0.00001 and 0.00002; TOPMed 0.00004.
gnomAD v4.1: 21 of 1,203,304 alleles (0.0017%); highest among the groups gnomAD compares: South Asian, 0.0035%; no homozygotes.

Submissions (4):

Labcorp Genetics (formerly Invitae), Labcorp
Classification: Uncertain significance for Christianson syndrome. Last evaluated: 2026-02-02. Review status: criteria provided, single submitter. Criteria: Invitae Variant Classification Sherloc (09022015). Collection method: clinical testing. Allele origin: germline.
Comment: This sequence change replaces threonine, which is neutral and polar, with methionine, which is neutral and non-polar, at codon 203 of the SLC9A6 protein (p.Thr203Met). This variant is present in population databases (rs782759179, gnomAD 0.002%). This missense change has been observed in individual(s) with clinical features of SLC9A6-related conditions (internal data). ClinVar contains an entry for this variant (Variation ID: 942247). Invitae Evidence Modeling of protein sequence and biophysical properties (such as structural, functional, and spatial information, amino acid conservation, physicochemical variation, residue mobility, and thermodynamic stability) indicates that this missense variant is not expected to disrupt SLC9A6 protein function with a negative predictive value of 80%. In summary, the available evidence is currently insufficient to determine the role of this variant in disease. Therefore, it has been classified as a Variant of Uncertain Significance.

CeGaT Center for Human Genetics Tuebingen
Classification: Likely benign. Last evaluated: 2025-07-01. Review status: criteria provided, single submitter. Criteria: CeGaT Center For Human Genetics Tuebingen Variant Classification Criteria Version 2. Collection method: clinical testing. Allele origin: germline. Affected: yes. Observed: 1 variant allele.
Comment: SLC9A6: BS2

Ambry Genetics
Classification: Uncertain significance for Inborn genetic diseases. Last evaluated: 2024-06-11. Review status: criteria provided, single submitter. Criteria: Ambry Variant Classification Scheme 2023. Collection method: clinical testing. Allele origin: germline.

Centre de Biologie Pathologie Génétique, Centre Hospitalier Universitaire de Lille
Classification: Uncertain significance for Intellectual disability. Last evaluated: 2019-01-01. Review status: no assertion criteria provided. Collection method: clinical testing. Allele origin: unknown. Affected: yes. Not counted in ClinVar's aggregate classification.